The following is an entry in ClinVar:

NM_023036.6(DNAI2):c.1069G>A (p.Val357Met)

Gene: DNAI2 (dynein axonemal intermediate chain 2; plus strand). Cytogenetic location: 17q25.1.
Variant type: single nucleotide variant.
Coding change: c.1069G>A on transcript NM_023036.6 (MANE Select); coding-DNA position 1069, G replaced by A.
Protein change: p.Val357Met; replaces valine 357 with methionine.
Molecular consequence: missense variant. On other transcripts: non-coding transcript variant (1).
Genome position (GRCh38, 1-based): chr17:74,305,300, G>A. VCF-style: chr17-74305300-G-A. GRCh37 (hg19) VCF-style: chr17-72301439-G-A.
Other names: c.1069G>A, p.Val357Met (NM_001172810.3, NM_001353167.2); short protein forms V357M.
Identifiers: ClinVar variation 1782769 (VCV001782769.2), dbSNP rs766139796, ClinGen allele CA8745603.

ClinVar aggregate classification (germline): Uncertain significance (1 of 4 stars; one submission).

Conditions:
Primary ciliary dyskinesia. Also called: Ciliary dyskinesia. Identifiers: Orphanet 244, MedGen C0008780, MONDO:0016575, HP:0012265.

Allele frequency attached by ClinVar (database versions not stated): TOPMed below 0.00001; ExAC 0.00001; gnomAD 0.00001.

Submission:

Ambry Genetics
Classification: Uncertain significance for Primary ciliary dyskinesia. Last evaluated: 2021-07-18. Review status: criteria provided, single submitter. Criteria: Ambry Variant Classification Scheme 2023. Collection method: clinical testing. Allele origin: germline.
Comment: The p.V357M variant (also known as c.1069G>A), located in coding exon 8 of the DNAI2 gene, results from a G to A substitution at nucleotide position 1069. The valine at codon 357 is replaced by methionine, an amino acid with highly similar properties. This amino acid position is conserved. In addition, this alteration is predicted to be tolerated by in silico analysis. Since supporting evidence is limited at this time, the clinical significance of this alteration remains unclear.